The following is an entry in ClinVar:

ClinVar aggregate classification (germline): Uncertain significance (1 of 4 stars; one submission).

Submission:

GeneDx
Classification: Uncertain significance. Last evaluated: 2024-10-22. Review status: criteria provided, single submitter. Criteria: GeneDx Variant Classification Process June 2021. Collection method: clinical testing. Allele origin: germline. Affected: yes.
Comment: Not observed at significant frequency in large population cohorts (gnomAD); In silico analysis supports that this missense variant has a deleterious effect on protein structure/function; Has not been previously published as pathogenic or benign to our knowledge

NM_000660.7(TGFB1):c.949T>C (p.Tyr317His)

Gene: TGFB1 (transforming growth factor beta 1; minus strand). Cytogenetic location: 19q13.2.
Variant type: single nucleotide variant.
Coding change: c.949T>C on transcript NM_000660.7 (MANE Select); coding-DNA position 949, T replaced by C.
Protein change: p.Tyr317His; replaces tyrosine 317 with histidine.
Molecular consequence: missense variant.
Genome position (GRCh38, 1-based): chr19:41,332,193, A>G on the plus strand (T>C on the coding strand, the complement: TGFB1 is on the minus strand). VCF-style: chr19-41332193-A-G. GRCh37 (hg19) VCF-style: chr19-41838098-A-G.
Other names: short protein forms Y317H.
Identifiers: ClinVar variation 3893449 (VCV003893449.1).